The following is an entry in ClinVar:

ClinVar aggregate classification (germline): Uncertain significance. Review status: criteria provided, multiple submitters, no conflicts (2 of 4 stars). 2 submissions from 2 submitters: Uncertain significance (2). Last evaluated 2025-03-31.

Allele frequency attached by ClinVar (database versions not stated): ExAC 0.00001; gnomAD 0.00001; TOPMed 0.00001.
gnomAD v4.1: 23 of 1,613,434 alleles (0.0014%); highest among the groups gnomAD compares: Non-Finnish European, 0.0018%; no homozygotes.

Submissions (2):

Labcorp Genetics (formerly Invitae), Labcorp
Classification: Uncertain significance. Last evaluated: 2025-03-31. Review status: criteria provided, single submitter. Criteria: Invitae Variant Classification Sherloc (09022015). Collection method: clinical testing. Allele origin: germline.
Comment: This sequence change replaces glutamic acid, which is acidic and polar, with lysine, which is basic and polar, at codon 663 of the XPO5 protein (p.Glu663Lys). This variant is present in population databases (rs764867205, gnomAD 0.003%). This variant has not been reported in the literature in individuals affected with XPO5-related conditions. ClinVar contains an entry for this variant (Variation ID: 2594600). An algorithm developed to predict the effect of missense changes on protein structure and function outputs the following: PolyPhen-2: "Benign". The lysine amino acid residue is found in multiple mammalian species, which suggests that this missense change does not adversely affect protein function. In summary, the available evidence is currently insufficient to determine the role of this variant in disease. Therefore, it has been classified as a Variant of Uncertain Significance.

Ambry Genetics
Classification: Uncertain significance. Last evaluated: 2023-06-30. Review status: criteria provided, single submitter. Criteria: Ambry Variant Classification Scheme 2023. Collection method: clinical testing. Allele origin: germline.

NM_020750.3(XPO5):c.1987G>A (p.Glu663Lys)

Genes: POLR1C (RNA polymerase I and III subunit C; plus strand), XPO5 (exportin 5; minus strand). Cytogenetic location: 6p21.1.
Variant type: single nucleotide variant.
Coding change: c.1987G>A on transcript NM_020750.3 (MANE Select); coding-DNA position 1987, G replaced by A.
Protein change: p.Glu663Lys; replaces glutamic acid 663 with lysine.
Molecular consequence: missense variant. On other transcripts: non-coding transcript variant (1), intron variant (1).
Genome position (GRCh38, 1-based): chr6:43,548,334, C>T on the plus strand (G>A on the coding strand, the complement: XPO5 is on the minus strand). VCF-style: chr6-43548334-C-T. GRCh37 (hg19) VCF-style: chr6-43516071-C-T.
Other names: c.923-2634C>T (NM_001363658.2); short protein forms E663K.
Identifiers: ClinVar variation 2594600 (VCV002594600.2), dbSNP rs764867205, ClinGen allele CA3826268.